The following is an entry in ClinVar:

NM_015426.5(POC1A):c.473G>A (p.Arg158Gln)

Gene: POC1A (POC1 centriolar protein A; minus strand). Cytogenetic location: 3p21.2.
Variant type: single nucleotide variant.
Coding change: c.473G>A on transcript NM_015426.5 (MANE Select); coding-DNA position 473, G replaced by A.
Protein change: p.Arg158Gln; replaces arginine 158 with glutamine.
Molecular consequence: missense variant.
Genome position (GRCh38, 1-based): chr3:52,147,078, C>T on the plus strand (G>A on the coding strand, the complement: POC1A is on the minus strand). VCF-style: chr3-52147078-C-T. GRCh37 (hg19) VCF-style: chr3-52181094-C-T.
Other names: c.473G>A, p.Arg158Gln (NM_001161580.2); c.359G>A, p.Arg120Gln (NM_001161581.2); short protein forms R158Q, R120Q.
Identifiers: ClinVar variation 4696340 (VCV004696340.1).

ClinVar aggregate classification (germline): Uncertain significance (1 of 4 stars; one submission).

gnomAD v4.1: 12 of 1,614,034 alleles (0.00074%); highest among the groups gnomAD compares: African/African-American, 0.0013%; no homozygotes.

Submission:

Labcorp Genetics (formerly Invitae), Labcorp
Classification: Uncertain significance. Last evaluated: 2025-09-11. Review status: criteria provided, single submitter. Criteria: Invitae Variant Classification Sherloc (09022015). Collection method: clinical testing. Allele origin: germline.
Comment: This sequence change replaces arginine, which is basic and polar, with glutamine, which is neutral and polar, at codon 158 of the POC1A protein (p.Arg158Gln). This variant is present in population databases (rs752465455, gnomAD 0.003%). This variant has not been reported in the literature in individuals affected with POC1A-related conditions. Invitae Evidence Modeling of protein sequence and biophysical properties (such as structural, functional, and spatial information, amino acid conservation, physicochemical variation, residue mobility, and thermodynamic stability) indicates that this missense variant is not expected to disrupt POC1A protein function with a negative predictive value of 80%. In summary, the available evidence is currently insufficient to determine the role of this variant in disease. Therefore, it has been classified as a Variant of Uncertain Significance.